The following is an entry in ClinVar:

ClinVar aggregate classification (germline): Uncertain significance (1 of 4 stars; one submission).

Conditions:
GNE myopathy (NM). Also called: NONAKA DISTAL MYOPATHY; INCLUSION BODY MYOPATHY, HEREDITARY, AUTOSOMAL RECESSIVE; INCLUSION BODY MYOPATHY 2, AUTOSOMAL RECESSIVE; IBM 2; Inclusion body myopathy autosomal recessive; Inclusion body myopathy quadriceps sparing. Identifiers: Orphanet 602, MedGen C1853926, MONDO:0011603, OMIM 605820.

gnomAD v4.1: 1 of 1,614,156 alleles (0.000062%); highest among the groups gnomAD compares: Non-Finnish European, 0.000085%; no homozygotes.

Submission:

Myriad Genetics, Inc.
Classification: Uncertain significance for GNE myopathy. Last evaluated: 2025-11-21. Review status: criteria provided, single submitter. Criteria: Myriad Autosomal Dominant, Autosomal Recessive and X-Linked Classification Criteria (2023). Collection method: clinical testing. Allele origin: unknown.
Comment: NM_001128227.2(GNE):c.1627G>A(V543M) is a missense variant classified as a variant of uncertain significance in the context of GNE myopathy. V543M has been observed in cases with relevant disease (PMID: 25986339, 30160005). Relevant functional assessments of this variant are available in the literature (PMID: 40457796). V543M has not been observed in referenced population frequency databases. In summary, there is insufficient evidence to classify NM_001128227.2(GNE):c.1627G>A(V543M) as pathogenic or benign. Please note: this variant was assessed in the context of healthy population screening.

Literature cited by the submitters: PubMed 25986339; PubMed 30160005; PubMed 40457796.

NM_005476.7(GNE):c.1534G>A (p.Val512Met)

Gene: GNE (glucosamine (UDP-N-acetyl)-2-epimerase/N-acetylmannosamine kinase; minus strand). Cytogenetic location: 9p13.3.
Variant type: single nucleotide variant.
Coding change: c.1534G>A on transcript NM_005476.7 (MANE Select); coding-DNA position 1534, G replaced by A.
Protein change: p.Val512Met; replaces valine 512 with methionine.
Molecular consequence: missense variant. On other transcripts: intron variant (1).
Genome position (GRCh38, 1-based): chr9:36,222,876, C>T on the plus strand (G>A on the coding strand, the complement: GNE is on the minus strand). VCF-style: chr9-36222876-C-T. GRCh37 (hg19) VCF-style: chr9-36222873-C-T.
Other names: c.1627G>A, p.Val543Met (NM_001128227.3); c.1204G>A, p.Val402Met (NM_001190384.3); c.1357G>A, p.Val453Met (NM_001190388.2, NM_001374798.1); c.1381G>A, p.Val461Met (NM_001374797.1); c.1411+497G>A (NM_001190383.3); short protein forms V453M, V402M, V512M, V461M, V543M.
Identifiers: ClinVar variation 5004945 (VCV005004945.1).